The following is an entry in ClinVar:

NM_001035.3(RYR2):c.385T>C (p.Tyr129His)

Gene: RYR2 (ryanodine receptor 2; plus strand). Cytogenetic location: 1q43.
Variant type: single nucleotide variant.
Coding change: c.385T>C on transcript NM_001035.3 (MANE Select); coding-DNA position 385, T replaced by C.
Protein change: p.Tyr129His; replaces tyrosine 129 with histidine.
Molecular consequence: missense variant.
Genome position (GRCh38, 1-based): chr1:237,374,717, T>C. VCF-style: chr1-237374717-T-C. GRCh37 (hg19) VCF-style: chr1-237538017-T-C.
Other names: short protein forms Y129H.
Identifiers: ClinVar variation 4746622 (VCV004746622.1).
Genomic context (GRCh38, chr1:237,374,717, plus strand): 5'-AAACACAAACAACAGACGAACAAAACCTCTACTTACAACTACTGATTTTGTACTTTGTAG[T>C]ATCTGTGCTGCCTGTCCACCTCCCGGTCTTCAACTGATAAGCTGGCTTTTGATGTTGGCT-3'
Protein context (NP_001026.2, residues 119-139): ILLRHSYSGM[Tyr129His]LCCLSTSRSS

ClinVar aggregate classification (germline): Uncertain significance (1 of 4 stars; one submission).

Conditions:
Catecholaminergic polymorphic ventricular tachycardia 1. Also called: VENTRICULAR TACHYCARDIA, CATECHOLAMINERGIC POLYMORPHIC, 1, WITH OR WITHOUT ATRIAL DYSFUNCTION AND/OR DILATED CARDIOMYOPATHY; RYR2-Related Catecholaminergic Polymorphic Ventricular Tachycardia; VENTRICULAR TACHYCARDIA, STRESS-INDUCED POLYMORPHIC 1. Identifiers: Orphanet 3286, MedGen C1631597, MONDO:0011484, OMIM 604772.

Submission:

Labcorp Genetics (formerly Invitae), Labcorp
Classification: Uncertain significance for Catecholaminergic polymorphic ventricular tachycardia 1. Last evaluated: 2025-07-19. Review status: criteria provided, single submitter. Criteria: Invitae Variant Classification Sherloc (09022015). Collection method: clinical testing. Allele origin: germline.
Comment: This sequence change replaces tyrosine, which is neutral and polar, with histidine, which is basic and polar, at codon 129 of the RYR2 protein (p.Tyr129His). This variant is not present in population databases (gnomAD no frequency). This variant has not been reported in the literature in individuals affected with RYR2-related conditions. An algorithm developed to predict the effect of missense changes on protein structure and function (PolyPhen-2) suggests that this variant is likely to be disruptive. In summary, the available evidence is currently insufficient to determine the role of this variant in disease. Therefore, it has been classified as a Variant of Uncertain Significance.